The following is an entry in ClinVar:

ClinVar aggregate classification (germline): Uncertain significance. Review status: criteria provided, multiple submitters, no conflicts (2 of 4 stars). 2 submissions from 2 submitters: Uncertain significance (2). Last evaluated 2025-05-22.

gnomAD v4.1: 3 of 1,548,316 alleles (0.00019%); highest among the groups gnomAD compares: African/African-American, 0.0014%; no homozygotes.

Submissions (2):

GeneDx
Classification: Uncertain significance. Last evaluated: 2025-05-22. Review status: criteria provided, single submitter. Criteria: GeneDx Variant Classification Process June 2021. Collection method: clinical testing. Allele origin: germline.
Comment: Not observed at significant frequency in large population cohorts (gnomAD); In silico analysis suggests that this missense variant does not alter protein structure/function; Has not been previously published as pathogenic or benign to our knowledge

Blueprint Genetics
Classification: Uncertain significance. Last evaluated: 2020-06-02. Review status: criteria provided, single submitter. Criteria: ACMG Guidelines, 2015. Collection method: clinical testing. Allele origin: germline.

NM_001292063.2(OTOG):c.8045G>A (p.Gly2682Asp)

Gene: OTOG (otogelin; plus strand). Cytogenetic location: 11p15.1.
Variant type: single nucleotide variant.
Coding change: c.8045G>A on transcript NM_001292063.2 (MANE Select); coding-DNA position 8045, G replaced by A.
Protein change: p.Gly2682Asp; replaces glycine 2682 with aspartic acid.
Molecular consequence: missense variant.
Genome position (GRCh38, 1-based): chr11:17,640,946, G>A. VCF-style: chr11-17640946-G-A. GRCh37 (hg19) VCF-style: chr11-17662493-G-A.
Other names: c.8081G>A, p.Gly2694Asp (NM_001277269.2); short protein forms G2682D, G2694D.
Identifiers: ClinVar variation 3769924 (VCV003769924.3).